The following is an entry in ClinVar:

NM_031308.4(EPPK1):c.5157G>C (p.Ala1719=)

Gene: EPPK1 (epiplakin 1; minus strand). Cytogenetic location: 8q24.3.
Variant type: single nucleotide variant.
Coding change: c.5157G>C on transcript NM_031308.4 (MANE Select); coding-DNA position 5157, G replaced by C.
Protein change: p.Ala1719=; no amino-acid change (alanine 1719 retained).
Molecular consequence: synonymous variant.
Genome position (GRCh38, 1-based): chr8:143,868,097, C>G on the plus strand (G>C on the coding strand, the complement: EPPK1 is on the minus strand). VCF-style: chr8-143868097-C-G. GRCh37 (hg19) VCF-style: chr8-144942265-C-G.
Identifiers: ClinVar variation 3040455 (VCV003040455.2), dbSNP rs375042978, ClinGen allele CA4922226.

ClinVar aggregate classification (germline): Likely benign (0 of 4 stars; one submission).

Conditions:
EPPK1-related disorder. Also called: EPPK1-related condition.

Allele frequency attached by ClinVar (database versions not stated): 1000 Genomes Project 30x 0.00031; 1000 Genomes Project 0.00040.

Submission:

PreventionGenetics, part of Exact Sciences
Classification: Likely benign for EPPK1-related condition. Last evaluated: 2022-05-17. Review status: no assertion criteria provided. Collection method: clinical testing. Allele origin: germline.
Comment: This variant is classified as likely benign based on ACMG/AMP sequence variant interpretation guidelines (Richards et al. 2015 PMID: 25741868, with internal and published modifications).